The following is an entry in ClinVar:

ClinVar aggregate classification (germline): Uncertain significance (1 of 4 stars; one submission).

Conditions:
Hereditary spastic paraplegia 57. Also called: Spastic paraplegia 57, autosomal recessive. Identifiers: Orphanet 431329, MedGen C3714897, MONDO:0014295, OMIM 615658.
Hereditary motor and sensory neuropathy, Okinawa type (HMSNO). Also called: HEREDITARY MOTOR AND SENSORY NEUROPATHY, PROXIMAL TYPE. Identifiers: Orphanet 90117, MedGen C1858338, MONDO:0011468, OMIM 604484.

Submission:

Labcorp Genetics (formerly Invitae), Labcorp
Classification: Uncertain significance for Hereditary motor and sensory neuropathy, Okinawa type; Hereditary spastic paraplegia 57. Last evaluated: 2022-04-01. Review status: criteria provided, single submitter. Criteria: Invitae Variant Classification Sherloc (09022015). Collection method: clinical testing. Allele origin: germline.
Comment: In summary, the available evidence is currently insufficient to determine the role of this variant in disease. Therefore, it has been classified as a Variant of Uncertain Significance. Algorithms developed to predict the effect of missense changes on protein structure and function (SIFT, PolyPhen-2, Align-GVGD) all suggest that this variant is likely to be tolerated. This variant has not been reported in the literature in individuals affected with TFG-related conditions. This variant is not present in population databases (gnomAD no frequency). This sequence change replaces glutamine, which is neutral and polar, with glutamic acid, which is acidic and polar, at codon 309 of the TFG protein (p.Gln309Glu).

NM_006070.6(TFG):c.925C>G (p.Gln309Glu)

Gene: TFG (trafficking from ER to golgi regulator; plus strand). Cytogenetic location: 3q12.2.
Variant type: single nucleotide variant.
Coding change: c.925C>G on transcript NM_006070.6 (MANE Select); coding-DNA position 925, C replaced by G.
Protein change: p.Gln309Glu; replaces glutamine 309 with glutamic acid.
Molecular consequence: missense variant.
Genome position (GRCh38, 1-based): chr3:100,748,253, C>G. VCF-style: chr3-100748253-C-G. GRCh37 (hg19) VCF-style: chr3-100467097-C-G.
Other names: c.925C>G, p.Gln309Glu (NM_001007565.2, NM_001195478.2); c.913C>G, p.Gln305Glu (NM_001195479.2); short protein forms Q305E, Q309E.
Identifiers: ClinVar variation 2118376 (VCV002118376.4), dbSNP rs1023214934, ClinGen allele CA79714832.